The following is an entry in ClinVar:

ClinVar aggregate classification (germline): Conflicting classifications of pathogenicity. Review status: criteria provided, conflicting classifications (1 of 4 stars). 3 submissions from 3 submitters: Uncertain significance (2); Likely benign (1). Last evaluated 2025-10-02.

Conditions:
Inborn genetic diseases. Identifiers: MedGen C0950123, MeSH D030342.
Cranioectodermal dysplasia 1 (CED1). Also called: LEVIN SYNDROME I. Identifiers: Orphanet 1515, MedGen C0432235, MONDO:0021093, OMIM 218330.

gnomAD v4.1: 3 of 1,613,652 alleles (0.00019%); highest among the groups gnomAD compares: Admixed American, 0.0033%; no homozygotes.

Submissions (3):

Ambry Genetics
Classification: Likely benign for Inborn genetic diseases. Last evaluated: 2025-10-02. Review status: criteria provided, single submitter. Criteria: Ambry Variant Classification Scheme 2023. Collection method: clinical testing. Allele origin: germline.

Labcorp Genetics (formerly Invitae), Labcorp
Classification: Uncertain significance for Cranioectodermal dysplasia 1. Last evaluated: 2024-05-22. Review status: criteria provided, single submitter. Criteria: Invitae Variant Classification Sherloc (09022015). Collection method: clinical testing. Allele origin: germline.
Comment: This sequence change replaces arginine, which is basic and polar, with leucine, which is neutral and non-polar, at codon 1021 of the IFT122 protein (p.Arg1021Leu). This variant is present in population databases (rs762874935, gnomAD 0.003%). This variant has not been reported in the literature in individuals affected with IFT122-related conditions. Advanced modeling of protein sequence and biophysical properties (such as structural, functional, and spatial information, amino acid conservation, physicochemical variation, residue mobility, and thermodynamic stability) performed at Invitae indicates that this missense variant is not expected to disrupt IFT122 protein function with a negative predictive value of 80%. In summary, the available evidence is currently insufficient to determine the role of this variant in disease. Therefore, it has been classified as a Variant of Uncertain Significance.

Fulgent Genetics
Classification: Uncertain significance for Cranioectodermal dysplasia 1. Last evaluated: 2024-01-02. Review status: criteria provided, single submitter. Criteria: ACMG Guidelines, 2015. Collection method: clinical testing. Allele origin: germline.

NM_052989.3(IFT122):c.2909G>T (p.Arg970Leu)

Gene: IFT122 (intraflagellar transport 122; plus strand). Cytogenetic location: 3q22.1.
Variant type: single nucleotide variant.
Coding change: c.2909G>T on transcript NM_052989.3 (MANE Select); coding-DNA position 2909, G replaced by T.
Protein change: p.Arg970Leu; replaces arginine 970 with leucine.
Molecular consequence: missense variant.
Genome position (GRCh38, 1-based): chr3:129,512,334, G>T. VCF-style: chr3-129512334-G-T. GRCh37 (hg19) VCF-style: chr3-129231177-G-T.
Other names: c.2888G>T, p.Arg963Leu (NM_001280541.2); c.2459G>T, p.Arg820Leu (NM_001280545.2); c.2282G>T, p.Arg761Leu (NM_001280546.2); c.3062G>T (NM_052985.2); c.2912G>T, p.Arg971Leu (NM_001410808.1); c.2855G>T, p.Arg952Leu (NM_001410809.1); c.2735G>T, p.Arg912Leu (NM_001410810.1); c.2681G>T, p.Arg894Leu (NM_001410811.1); and 6 more; short protein forms R1021L, R894L, R911L, R963L, R842L, R860L, R893L, R912L.
Identifiers: ClinVar variation 3588477 (VCV003588477.4).
Genomic context (GRCh38, chr3:129,512,334, plus strand): 5'-GAAGAACTCAATCCCTGTTTGCTTTTCTCTCACTGCAGGAAGATCCGTTCAGTGTCCATC[G>T]TCCTGAAACTCTTTTCAACATCTCCAGGTTCCTGCTGCACAGCCTGCCCAAGGACACCCC-3'
Protein context (NP_443715.1, residues 960-980): RHTEDPFSVH[Arg970Leu]PETLFNISRF